The following is an entry in ClinVar:

NM_001253697.2(ERBIN):c.3355A>G (p.Met1119Val)

Gene: ERBIN (erbb2 interacting protein; plus strand). Cytogenetic location: 5q12.3.
Variant type: single nucleotide variant.
Coding change: c.3355A>G on transcript NM_001253697.2 (MANE Select); coding-DNA position 3355, A replaced by G.
Protein change: p.Met1119Val; replaces methionine 1119 with valine.
Molecular consequence: missense variant.
Genome position (GRCh38, 1-based): chr5:66,054,673, A>G. VCF-style: chr5-66054673-A-G. GRCh37 (hg19) VCF-style: chr5-65350501-A-G.
Other names: c.3343A>G, p.Met1115Val (NM_001253701.2); c.3355A>G, p.Met1119Val (NM_018695.4, NM_001006600.3, NM_001253698.2 and 1 more transcripts); short protein forms M1119V, M1115V.
Identifiers: ClinVar variation 2957591 (VCV002957591.3), dbSNP rs201669285, ClinGen allele CA3286646.

ClinVar aggregate classification (germline): Uncertain significance (1 of 4 stars; one submission).

Allele frequency attached by ClinVar (database versions not stated): gnomAD exomes 0.00002; gnomAD 0.00003; TOPMed 0.00003; ExAC 0.00007; 1000 Genomes Project 30x 0.00047; 1000 Genomes Project 0.00060.

Submission:

Labcorp Genetics (formerly Invitae), Labcorp
Classification: Uncertain significance. Last evaluated: 2024-06-24. Review status: criteria provided, single submitter. Criteria: Invitae Variant Classification Sherloc (09022015). Collection method: clinical testing. Allele origin: germline.
Comment: This sequence change replaces methionine, which is neutral and non-polar, with valine, which is neutral and non-polar, at codon 1119 of the ERBIN protein (p.Met1119Val). This variant is present in population databases (rs201669285, gnomAD 0.06%), and has an allele count higher than expected for a pathogenic variant. This variant has not been reported in the literature in individuals affected with ERBIN-related conditions. Algorithms developed to predict the effect of missense changes on protein structure and function output the following: SIFT: "Not Available"; PolyPhen-2: "Benign"; Align-GVGD: "Not Available". The valine amino acid residue is found in multiple mammalian species, which suggests that this missense change does not adversely affect protein function. In summary, the available evidence is currently insufficient to determine the role of this variant in disease. Therefore, it has been classified as a Variant of Uncertain Significance.